The following is an entry in ClinVar:

ClinVar aggregate classification (germline): Likely pathogenic (0 of 4 stars; one submission).

Conditions:
SIN3A-related disorder. Also called: SIN3A-related condition.

Submission:

PreventionGenetics, part of Exact Sciences
Classification: Likely pathogenic for SIN3A-related condition. Last evaluated: 2024-03-01. Review status: no assertion criteria provided. Collection method: clinical testing. Allele origin: germline.
Comment: The SIN3A c.2863dupG variant is predicted to result in a frameshift and premature protein termination (p.Val955Glyfs*26). To our knowledge, this variant has not been reported in the literature or in a large population database, indicating this variant is rare. Frameshift variants in SIN3A are expected to be pathogenic. This variant is interpreted as likely pathogenic.

NM_001145358.2(SIN3A):c.2863dup (p.Val955fs)

Gene: SIN3A (SIN3 transcription regulator family member A; minus strand). Cytogenetic location: 15q24.2.
Variant type: Duplication.
Coding change: c.2863dup on transcript NM_001145358.2 (MANE Select); coding-DNA position 2863, one base duplicated (G; older notation c.2863dupG).
Protein change: p.Val955fs; shifts the reading frame from valine 955.
Molecular consequence: frameshift variant.
Genome position (GRCh38, 1-based): chr15:75,389,810, C duplicated on the plus strand (G on the coding strand, the reverse complement: SIN3A is on the minus strand). VCF-style (leftmost placement, unchanged base first): chr15-75389809-A-AC. GRCh37 (hg19) VCF-style: chr15-75682150-A-AC.
Other names: c.2863dup, p.Val955fs (NM_001145357.2, NM_015477.3); short protein forms V955fs.
Identifiers: ClinVar variation 3061356 (VCV003061356.2), dbSNP rs2543061981, ClinGen allele CA2740096735.